The following is an entry in ClinVar:

ClinVar aggregate classification (germline): Likely pathogenic (1 of 4 stars; one submission).

Submission:

Labcorp Genetics (formerly Invitae), Labcorp
Classification: Likely pathogenic. Last evaluated: 2023-10-11. Review status: criteria provided, single submitter. Criteria: Invitae Variant Classification Sherloc (09022015). Collection method: clinical testing. Allele origin: germline.
Comment: This variant results in the deletion of part of exon 19 (c.3837_3841-542del) of the PCNT gene. It is expected to disrupt RNA splicing. Variants that disrupt the donor or acceptor splice site typically lead to a loss of protein function (PMID: 16199547), and loss-of-function variants in PCNT are known to be pathogenic (PMID: 18174396, 22821869). This variant is not present in population databases (gnomAD no frequency). This variant has not been reported in the literature in individuals affected with PCNT-related conditions. In summary, the currently available evidence indicates that the variant is pathogenic, but additional data are needed to prove that conclusively. Therefore, this variant has been classified as Likely Pathogenic.

Literature cited by the submitters: PubMed 16199547; PubMed 18174396; PubMed 22821869.

NM_006031.6(PCNT):c.3837_3841-542del

Gene: PCNT (pericentrin; plus strand). Cytogenetic location: 21q22.3.
Variant type: Deletion.
Coding change: c.3837_3841-542del on transcript NM_006031.6 (MANE Select); coding-DNA position 3837 through 542 bases into the intron before coding-DNA position 3841, 701 bases deleted.
Molecular consequence: splice donor variant.
Genome position (GRCh38, 1-based): chr21:46,389,428-46,390,128, 701 bases deleted. GRCh37 (hg19): chr21:47,809,343-47,810,043.
Other names: c.3483_3487-542del (NM_001315529.2).
Identifiers: ClinVar variation 2831375 (VCV002831375.3), dbSNP rs2518529653, ClinGen allele CA2739266358.